The following continues an entry in ClinVar:

NM_000059.4(BRCA2):c.9285C>G (p.Asp3095Glu)

Gene: BRCA2. ClinVar aggregate classification (germline): Pathogenic. Pathogenic (13).

Submissions 9 to 16 of 16:

GeneDx
Classification: Pathogenic. Last evaluated: 2023-08-10. Review status: criteria provided, single submitter. Criteria: GeneDx Variant Classification Process June 2021. Collection method: clinical testing. Allele origin: germline. Affected: yes.
Comment: Observed in individuals with a personal or family history consistent with pathogenic variants in this gene (Plon et al., 2008; Gabald Barrios et al., 2017; Wong et al., 2019; Lotan et al., 2021); Published functional studies demonstrate a damaging effect: reduced homology-directed repair (HDR) activity, aberrant centriole amplification, failure to rescue lethality of Brca2 null ES cells (Farruguia et al., 2008; Biswas et al., 2012; Guidugli et al., 2013; Ikegami et al., 2020; Richardson et al., 2021); Not observed at significant frequency in large population cohorts (gnomAD); In silico analysis supports that this missense variant does not alter protein structure/function; Also known as 9513C>G; This variant is associated with the following publications: (PMID: 25085752, 29439820, 28277317, 30293905, 17924331, 22678057, 18451181, 21990134, 17899372, 19043619, 24323938, 18951446, 28477318, 25447315, 16875939, 21990165, 29394989, 29988080, 30787465, 32719484, 29884841, 29368341, 29922827, 32444794, 31948886, 33609447, 32906206, 33462368, 30620386, 35665744, 12228710, 23108138)

Quest Diagnostics Nichols Institute San Juan Capistrano
Classification: Pathogenic. Last evaluated: 2023-01-21. Review status: criteria provided, single submitter. Criteria: Quest Diagnostics criteria. Collection method: clinical testing. Allele origin: unknown.
Comment: The frequency of this variant in the general population, 0.000004 (1/250672 chromosomes), is uninformative in assessment of its pathogenicity. In the published literature, the variant has been reported in individuals with breast cancer (PMID: 16875939 (2006), 28477318 (2017), 8640235 (1996)) and prostate cancer (PMID: 29983880 (2018), 29439820 (2018)). Published functional studies have shown that this variant results in a deleterious effect on BRCA2 protein function (PMID: 22678057 (2012), 29394989 (2018), 29988080 (2018)). Analysis of this variant using bioinformatics tools for the prediction of the effect of amino acid changes on protein structure and function yielded predictions that this variant is damaging.

Women's Health and Genetics/Laboratory Corporation of America, LabCorp
Classification: Pathogenic for Hereditary breast ovarian cancer syndrome. Last evaluated: 2021-12-23. Review status: criteria provided, single submitter. Criteria: LabCorp Variant Classification Summary - May 2015. Collection method: clinical testing. Allele origin: germline.
Comment: Variant summary: BRCA2 c.9285C>G (p.Asp3095Glu) results in a conservative amino acid change located in the 3rd oligonucleotide binding (OB) fold (IPR015188), which is part of the DNA-binding domain of the encoded protein sequence. Four of five in-silico tools predict a damaging effect of the variant on protein function. The variant allele was found at a frequency of 4e-06 in 250672 control chromosomes (gnomAD). c.9285C>G has been reported in the literature in individuals affected with Hereditary Breast and Ovarian Cancer (e.g. Maillet_2006, Biswas_2012, Gabaldo_2017). Segregation data in HBOC families was suggestive, but not conclusive of causality (e.g. Biswas_2012). Multiple publications have reported experimental evidence evaluating an impact on protein function. In these functional studies the variant was shown to cause significantly reduced HDR activity, increased aberrant centriole amplification, and reduced cell viability in null-rescue survival assays (example: Farrugia_2008, Biswas_2012, Guidugli_2012, Hart_2018, Mesman_2018, Ikegami_2020). In addition, multifactorial probability models, performing systematic assessments of variants of unknown significance in the BRCA genes, which included analysis of co-occurrence in trans with known deleterious mutations, personal and family history of cancer, tumor pathology and co-segregation with disease in pedigrees, predicted this variant to be (likely) pathogenic (Easton 2007, Karchin_2008, Lindor 2012, Guidugli_2018). Six ClinVar submitters have assessed this variant since 2014: one classified the variant as likely pathogenic and five as pathogenic. Based on the evidence outlined above, the variant was classified as pathogenic.

Sema4
Classification: Pathogenic for Hereditary cancer-predisposing syndrome. Last evaluated: 2021-03-24. Review status: criteria provided, single submitter. Criteria: Sema4 Curation Guidelines. Collection method: curation. Allele origin: germline.
Comment: The BRCA2 c.9285C>G (p.D3095E) variant has been reported in numerous individuals and families with hereditary breast and/or ovarian cancer with evidence of segregation (PMID: 22678057, 18451181, 28477318). Functional studies have shown that this variant disrupts BRCA2 homology directed repair activity in transfected cells and fails to restore viability to BRCA2-null mouse embryonic stem cells (PMID: 18451181, 23108138, 22678057, 29394989). It was not observed in the large and broad cohorts of the Genome Aggregation Database. The variant has been reported in ClinVar (Variation ID: 52805). A different nucleotide change resulting in same amino acid change, c.9285C>A (p.D3095E), has been reported in at least one individual affected with ampullary carcinoma (PMID: 30620386). Multifactorial likelihood algorithms have determined this variant to have a very high probability of being pathogenic (PMID: 17924331, 19043619, 22678057). Based on the current evidence available, this variant is interpreted as pathogenic.

Cancer Variant Interpretation Group UK, Institute of Cancer Research, London
Classification: Pathogenic for Hereditary Breast and Ovarian Cancer. Last evaluated: 2018-10-10. Review status: criteria provided, single submitter. Criteria: ACMG Guidelines, 2015. Collection method: curation. Allele origin: germline.
Comment: Data used in classification: The frequency of this variant is 1/138,632 individuals (gnomAD) (PM2_mod). This variant is predicted deleterious on AlignGVGD (class: C35), SIFT (Deleterious), Polyphen2 HumVar (probably damaging) and CADD (13.74) (PP3_sup). The variant is in the DNA-binding domain of BRCA2 (PM1_sup). In the BRCA2 Homology-Directed Repair Activity assay for the DNA Binding Domain (Guidugli et al Cancer Res 2013;73:265-275,Couch Lab), the variant has a probability of pathogenicity of 1.0 (PS3_strong). This variant is classified on ClinVar as pathogenic by accredited diagnostic USA laboratories Ambry Genetics and GeneDx (2018) (PP5_sup). This variant produces the same amino acid change as a variant with overall classification on ClinVar as pathogenic (c.9285C>A p.Asp3095Glu) (PS1_strong). Data not used in classification: There are additional reports of this variant in ClinVar (9), BIC (12), and BRCA2 LOVD (6).

Research Molecular Genetics Laboratory, Women's College Hospital, University of Toronto
Classification: Pathogenic for Hereditary breast ovarian cancer syndrome. Last evaluated: 2014-01-31. Review status: no assertion criteria provided. Collection method: research. Allele origin: germline. Affected: yes. Study: The Canadian Open Genetics Repository (COGR). Not counted in ClinVar's aggregate classification.

Sharing Clinical Reports Project (SCRP)
Classification: Pathogenic for Breast-ovarian cancer, familial 2. Last evaluated: 2010-03-30. Review status: no assertion criteria provided. Collection method: clinical testing. Allele origin: germline. Not counted in ClinVar's aggregate classification.

Breast Cancer Information Core (BIC) (BRCA2)
Classification: Uncertain significance for Breast-ovarian cancer, familial 2. Last evaluated: 2002-05-29. Review status: no assertion criteria provided. Collection method: clinical testing. Allele origin: germline. Affected: yes. Observed: 12 variant alleles. Not counted in ClinVar's aggregate classification.

Literature cited by the submitters: PubMed 18451181 (cited by 7 submitters); PubMed 18951446 (cited by 6 submitters); PubMed 22678057 (cited by 5 submitters); PubMed 33609447 (cited by 5 submitters); PubMed 23108138 (cited by 8 submitters); PubMed 21990134 (cited by 5 submitters); PubMed 29394989 (cited by 7 submitters); PubMed 29439820 (cited by 6 submitters); PubMed 30293905 (cited by 3 submitters); PubMed 30620386 (cited by 4 submitters); PubMed 30728895 (cited by 3 submitters); PubMed 33462368 (cited by 3 submitters); PubMed 37922907 (cited by Mayo Clinic Laboratories, Mayo Clinic and Color Diagnostics, LLC DBA Color Health); PubMed 16875939 (cited by 3 submitters); PubMed 17924331 (cited by 6 submitters); PubMed 19043619 (cited by 5 submitters); PubMed 24323938 (cited by 5 submitters); PubMed 25085752 (cited by 5 submitters); PubMed 28477318 (cited by 6 submitters); PubMed 29368341 (cited by 5 submitters); PubMed 29884841 (cited by 5 submitters); PubMed 29983880 (cited by 4 submitters); PubMed 29988080 (cited by 5 submitters); PubMed 21990165 (cited by 3 submitters); PubMed 8640235 (cited by Quest Diagnostics Nichols Institute San Juan Capistrano and Women's Health and Genetics/Laboratory Corporation of America, LabCorp); PubMed 18951461 (cited by Quest Diagnostics Nichols Institute San Juan Capistrano); PubMed 17899372 (cited by Quest Diagnostics Nichols Institute San Juan Capistrano and Women's Health and Genetics/Laboratory Corporation of America, LabCorp); PubMed 32906206 (cited by Quest Diagnostics Nichols Institute San Juan Capistrano and Women's Health and Genetics/Laboratory Corporation of America, LabCorp); PubMed 32719484 (cited by Quest Diagnostics Nichols Institute San Juan Capistrano and Women's Health and Genetics/Laboratory Corporation of America, LabCorp); PubMed 32444794 (cited by Quest Diagnostics Nichols Institute San Juan Capistrano and Women's Health and Genetics/Laboratory Corporation of America, LabCorp); PubMed 25447315 (cited by Quest Diagnostics Nichols Institute San Juan Capistrano and Women's Health and Genetics/Laboratory Corporation of America, LabCorp).